The following is an entry in ClinVar:

NM_006031.6(PCNT):c.5578G>A (p.Glu1860Lys)

Gene: PCNT (pericentrin; plus strand). Cytogenetic location: 21q22.3.
Variant type: single nucleotide variant.
Coding change: c.5578G>A on transcript NM_006031.6 (MANE Select); coding-DNA position 5578, G replaced by A.
Protein change: p.Glu1860Lys; replaces glutamic acid 1860 with lysine.
Molecular consequence: missense variant.
Genome position (GRCh38, 1-based): chr21:46,411,651, G>A. VCF-style: chr21-46411651-G-A. GRCh37 (hg19) VCF-style: chr21-47831565-G-A.
Other names: c.5578G>A (NM_006031.5); c.5224G>A, p.Glu1742Lys (NM_001315529.2); short protein forms E1742K, E1860K.
Identifiers: ClinVar variation 1473171 (VCV001473171.5), dbSNP rs369195346, ClinGen allele CA410554829.
Genomic context (GRCh38, chr21:46,411,651, plus strand): 5'-CGCAATGTAGCCCTCAGGGAGGCTGAGGTCGAAGACATGGCCTCCCGGATCCAGGAGTTC[G>A]AAGCGGCCCTGAAAGCAAAGGAAGCGACGATTGCCGAGAGAAATTTAGAAATCGACGCTC-3'
Protein context (NP_006022.3, residues 1850-1870): EDMASRIQEF[Glu1860Lys]AALKAKEATI

ClinVar aggregate classification (germline): Uncertain significance. Review status: criteria provided, multiple submitters, no conflicts (2 of 4 stars). 3 submissions from 3 submitters: Uncertain significance (3). Last evaluated 2026-09-17.

Conditions:
PCNT-related disorder. Also called: PCNT-related condition.

gnomAD v4.1: 40 of 1,612,948 alleles (0.0025%); highest among the groups gnomAD compares: Admixed American, 0.0067%; no homozygotes.

Submissions (3):

PreventionGenetics, part of Exact Sciences
Classification: Uncertain significance for PCNT-related condition. Last evaluated: 2026-09-17. Review status: criteria provided, single submitter. Criteria: ACMG Guidelines, 2015. Collection method: clinical testing. Allele origin: germline.
Comment: The PCNT c.5578G>A variant is predicted to result in the amino acid substitution p.Glu1860Lys. To our knowledge, this variant has not been reported in the literature. This variant is reported in 0.0041% of alleles in individuals of African descent in gnomAD. At this time, the clinical significance of this variant is uncertain due to the absence of conclusive functional and genetic evidence.

Women's Health and Genetics/Laboratory Corporation of America, LabCorp
Classification: Uncertain significance. Last evaluated: 2024-08-22. Review status: criteria provided, single submitter. Criteria: LabCorp Variant Classification Summary - May 2015. Collection method: clinical testing. Allele origin: germline.
Comment: Variant summary: PCNT c.5578G>A (p.Glu1860Lys) results in a conservative amino acid change in the encoded protein sequence. Five of five in-silico tools predict a benign effect of the variant on protein function. The variant allele was found at a frequency of 1.6e-05 in 246834 control chromosomes. The available data on variant occurrences in the general population are insufficient to allow any conclusion about variant significance. To our knowledge, no occurrence of c.5578G>A in individuals affected with Microcephalic Osteodysplastic Primordial Dwarfism Type II and no experimental evidence demonstrating its impact on protein function have been reported. ClinVar contains an entry for this variant (Variation ID: 1473171). Based on the evidence outlined above, the variant was classified as uncertain significance.

Labcorp Genetics (formerly Invitae), Labcorp
Classification: Uncertain significance. Last evaluated: 2022-09-01. Review status: criteria provided, single submitter. Criteria: Invitae Variant Classification Sherloc (09022015). Collection method: clinical testing. Allele origin: germline.
Comment: This sequence change replaces glutamic acid, which is acidic and polar, with lysine, which is basic and polar, at codon 1860 of the PCNT protein (p.Glu1860Lys). This variant is present in population databases (no rsID available, gnomAD 0.006%). This variant has not been reported in the literature in individuals affected with PCNT-related conditions. ClinVar contains an entry for this variant (Variation ID: 1473171). Algorithms developed to predict the effect of missense changes on protein structure and function output the following: SIFT: "Tolerated"; PolyPhen-2: "Possibly Damaging"; Align-GVGD: "Class C0". The lysine amino acid residue is found in multiple mammalian species, which suggests that this missense change does not adversely affect protein function. In summary, the available evidence is currently insufficient to determine the role of this variant in disease. Therefore, it has been classified as a Variant of Uncertain Significance.